The following is an entry in ClinVar:

NM_001105206.3(LAMA4):c.967-13C>T

Gene: LAMA4 (laminin subunit alpha 4; minus strand). Cytogenetic location: 6q21.
Variant type: single nucleotide variant.
Coding change: c.967-13C>T on transcript NM_001105206.3 (MANE Select); 13 bases into the intron before coding-DNA position 967, C replaced by T.
Molecular consequence: intron variant.
Genome position (GRCh38, 1-based): chr6:112,185,360, G>A on the plus strand (C>T on the coding strand, the complement: LAMA4 is on the minus strand). VCF-style: chr6-112185360-G-A. GRCh37 (hg19) VCF-style: chr6-112506562-G-A.
Other names: c.946-13C>T (NM_002290.5, NM_001105207.3).
Identifiers: ClinVar variation 666708 (VCV000666708.7), dbSNP rs782148493, ClinGen allele CA3965936.
Genomic context (GRCh38, chr6:112,185,360, plus strand): 5'-TTGTATCTTTCTTAGGGCGTATTGGTTTTCTCTTTCTGACAATTTTGTCTGCAGAAGAAT[G>A]TGTTTTGAGAATAGTCAATGGGCACACCAGGTTTTAAAAAATGTACATAAAACTCTTTCA-3'

ClinVar aggregate classification (germline): Likely benign. Review status: criteria provided, multiple submitters, no conflicts (2 of 4 stars). 2 submissions from 2 submitters: Likely benign (2). Last evaluated 2024-12-12.

Conditions:
Dilated cardiomyopathy 1JJ (CMD1JJ). Identifiers: Orphanet 154, MedGen C3808935, MONDO:0014095, OMIM 615235.

Allele frequency attached by ClinVar (database versions not stated): gnomAD exomes below 0.00001 and 0.00001; ExAC 0.00002; TOPMed 0.00004; gnomAD 0.00005 and 0.00006.
gnomAD v4.1: 9 of 1,501,692 alleles (0.0006%); highest among the groups gnomAD compares: African/African-American, 0.012%; no homozygotes.

Submissions (2):

Labcorp Genetics (formerly Invitae), Labcorp
Classification: Likely benign for Dilated cardiomyopathy 1JJ. Last evaluated: 2024-12-12. Review status: criteria provided, single submitter. Criteria: Invitae Variant Classification Sherloc (09022015). Collection method: clinical testing. Allele origin: germline.

Laboratory for Molecular Medicine, Mass General Brigham Personalized Medicine
Classification: Likely benign. Last evaluated: 2018-03-14. Review status: criteria provided, single submitter. Criteria: LMM Criteria. Collection method: clinical testing. Allele origin: germline. Observed: 1 variant allele.
Comment: c.946-13C>T in intron 8 of LAMA4: This variant is classified as likely benign be cause a C>T change at this position does not diverge from the splice consensus s equence and is therefore unlikely to impact splicing. It has been identified in 0.02% (5/24030) of African chromosomes by the Genome Aggregation Database (gnomA D; dbSNP rs782148493). ACMG/AMP Criteria appli ed: BP4; BP7.